The following is an entry in ClinVar:

NM_025099.6(CTC1):c.79C>G (p.Leu27Val)

Gene: CTC1 (CST telomere replication complex component 1; minus strand). Cytogenetic location: 17p13.1.
Variant type: single nucleotide variant.
Coding change: c.79C>G on transcript NM_025099.6 (MANE Select); coding-DNA position 79, C replaced by G.
Protein change: p.Leu27Val; replaces leucine 27 with valine.
Molecular consequence: missense variant. On other transcripts: non-coding transcript variant (1).
Genome position (GRCh38, 1-based): chr17:8,243,103, G>C on the plus strand (C>G on the coding strand, the complement: CTC1 is on the minus strand). VCF-style: chr17-8243103-G-C. GRCh37 (hg19) VCF-style: chr17-8146421-G-C.
Other names: short protein forms L27V.
Identifiers: ClinVar variation 1337785 (VCV001337785.10), dbSNP rs369069450, ClinGen allele CA8372718.

ClinVar aggregate classification (germline): Uncertain significance. Review status: criteria provided, multiple submitters, no conflicts (2 of 4 stars). 2 submissions from 2 submitters: Uncertain significance (2). Last evaluated 2024-10-11.

Conditions:
Dyskeratosis congenita. Identifiers: Orphanet 1775, MedGen C0265965, MONDO:0015780.

Allele frequency attached by ClinVar (database versions not stated): gnomAD exomes below 0.00001 and 0.00001; gnomAD 0.00001; TOPMed 0.00001; ExAC 0.00002; ESP Exome Variant Server 0.00008.

Submissions (2):

Labcorp Genetics (formerly Invitae), Labcorp
Classification: Uncertain significance for Dyskeratosis congenita. Last evaluated: 2024-10-11. Review status: criteria provided, single submitter. Criteria: Invitae Variant Classification Sherloc (09022015). Collection method: clinical testing. Allele origin: germline.
Comment: This sequence change replaces leucine, which is neutral and non-polar, with valine, which is neutral and non-polar, at codon 27 of the CTC1 protein (p.Leu27Val). This variant is present in population databases (rs369069450, gnomAD 0.002%). This variant has not been reported in the literature in individuals affected with CTC1-related conditions. ClinVar contains an entry for this variant (Variation ID: 1337785). An algorithm developed to predict the effect of missense changes on protein structure and function (PolyPhen-2) suggests that this variant¬†is likely to be tolerated. In summary, the available evidence is currently insufficient to determine the role of this variant in disease. Therefore, it has been classified as a Variant of Uncertain Significance.

Genetic Services Laboratory, University of Chicago
Classification: Uncertain significance. Last evaluated: 2020-12-02. Review status: criteria provided, single submitter. Criteria: ACMG Guidelines, 2015. Collection method: clinical testing. Allele origin: germline. Affected: no.
Comment: DNA sequence analysis of the CTC1 gene demonstrated a sequence change, c.79C>G, in exon 2 that results in an amino acid change, p.Leu27Val. This sequence change does not appear to have been previously described in patients with CTC1-related disorders and has been described in the gnomAD database in one individual with an overall population frequency of 0.0004% (dbSNP rs369069450). The p.Leu27Val change affects a highly conserved amino acid residue located in a domain of the CTC1 protein that is not known to be functional. In-silico pathogenicity prediction tools (SIFT, PolyPhen2, Align GVGD, REVEL) provide contradictory results for the p.Leu27Val substitution. Due to these contrasting evidences and the lack of functional studies, the clinical significance of the p.Leu27Val change remains unknown at this time.